The following is an entry in ClinVar:

NM_001130009.3(GEN1):c.1921G>T (p.Ala641Ser)

Gene: GEN1 (GEN1 Holliday junction 5' flap endonuclease; plus strand). Cytogenetic location: 2p24.2.
Variant type: single nucleotide variant.
Coding change: c.1921G>T on transcript NM_001130009.3 (MANE Select); coding-DNA position 1921, G replaced by T.
Protein change: p.Ala641Ser; replaces alanine 641 with serine.
Molecular consequence: missense variant.
Genome position (GRCh38, 1-based): chr2:17,781,133, G>T. VCF-style: chr2-17781133-G-T. GRCh37 (hg19) VCF-style: chr2-17962400-G-T.
Other names: c.1921G>T, p.Ala641Ser (NM_182625.5); short protein forms A641S.
Identifiers: ClinVar variation 4029164 (VCV004029164.1).

ClinVar aggregate classification (germline): Uncertain significance (1 of 4 stars; one submission).

gnomAD v4.1: 1 of 1,613,888 alleles (0.000062%); highest among the groups gnomAD compares: Non-Finnish European, 0.000085%; no homozygotes.

Submission:

Ambry Genetics
Classification: Uncertain significance. Last evaluated: 2025-03-26. Review status: criteria provided, single submitter. Criteria: Ambry Variant Classification Scheme 2023. Collection method: clinical testing. Allele origin: germline.
Comment: The p.A641S variant (also known as c.1921G>T), located in coding exon 13 of the GEN1 gene, results from a G to T substitution at nucleotide position 1921. The alanine at codon 641 is replaced by serine, an amino acid with similar properties. This amino acid position is conserved. In addition, this alteration is predicted to be tolerated by in silico analysis. Based on the available evidence, the clinical significance of this variant remains unclear.